The following is an entry in ClinVar:

ClinVar aggregate classification (germline): Uncertain significance. Review status: criteria provided, multiple submitters, no conflicts (2 of 4 stars). 3 submissions from 3 submitters: Uncertain significance (3). Last evaluated 2025-06-25.

Conditions:
Breast-ovarian cancer, familial, susceptibility to, 4. Identifiers: Orphanet 145, MedGen C3280345, MONDO:0013669, OMIM 614291.
Hereditary cancer-predisposing syndrome. Also called: Neoplastic Syndromes, Hereditary; Tumor predisposition; Hereditary neoplastic syndrome; Hereditary Cancer Syndrome. Identifiers: Orphanet 140162, MedGen C0027672, MeSH D009386, MONDO:0015356.

Submissions (3):

Ambry Genetics
Classification: Uncertain significance for Hereditary cancer-predisposing syndrome. Last evaluated: 2025-06-25. Review status: criteria provided, single submitter. Criteria: Ambry Variant Classification Scheme 2023. Collection method: clinical testing. Allele origin: germline.
Comment: The p.M227I variant (also known as c.681G>A), located in coding exon 8 of the RAD51D gene, results from a G to A substitution at nucleotide position 681. The methionine at codon 227 is replaced by isoleucine, an amino acid with highly similar properties. This amino acid position is highly conserved in available vertebrate species. In addition, this alteration is predicted to be deleterious by in silico analysis. Since supporting evidence is limited at this time, the clinical significance of this alteration remains unclear.

Labcorp Genetics (formerly Invitae), Labcorp
Classification: Uncertain significance for Breast-ovarian cancer, familial, susceptibility to, 4. Last evaluated: 2025-04-13. Review status: criteria provided, single submitter. Criteria: Invitae Variant Classification Sherloc (09022015). Collection method: clinical testing. Allele origin: germline.
Comment: This sequence change replaces methionine, which is neutral and non-polar, with isoleucine, which is neutral and non-polar, at codon 227 of the RAD51D protein (p.Met227Ile). This variant is not present in population databases (gnomAD no frequency). This variant has not been reported in the literature in individuals affected with RAD51D-related conditions. ClinVar contains an entry for this variant (Variation ID: 826642). Invitae Evidence Modeling of protein sequence and biophysical properties (such as structural, functional, and spatial information, amino acid conservation, physicochemical variation, residue mobility, and thermodynamic stability) indicates that this missense variant is not expected to disrupt RAD51D protein function with a negative predictive value of 80%. In summary, the available evidence is currently insufficient to determine the role of this variant in disease. Therefore, it has been classified as a Variant of Uncertain Significance.

Color Diagnostics, LLC DBA Color Health
Classification: Uncertain significance for Hereditary cancer-predisposing syndrome. Last evaluated: 2023-12-05. Review status: criteria provided, single submitter. Criteria: ACMG Guidelines, 2015. Collection method: clinical testing. Allele origin: germline.
Comment: This missense variant replaces methionine with isoleucine at codon 227 of the RAD51D protein. Computational prediction suggests that this variant may not impact protein structure and function (internally defined REVEL score threshold <= 0.5, PMID: 27666373). To our knowledge, functional studies have not been reported for this variant. This variant has not been reported in individuals affected with RAD51D-related disorders in the literature. This variant has not been identified in the general population by the Genome Aggregation Database (gnomAD). The available evidence is insufficient to determine the role of this variant in disease conclusively. Therefore, this variant is classified as a Variant of Uncertain Significance.

NM_002878.4(RAD51D):c.681G>A (p.Met227Ile)

Genes: RAD51D (RAD51 paralog D; minus strand), RAD51L3-RFFL (RAD51L3-RFFL readthrough; minus strand). Cytogenetic location: 17q12.
Variant type: single nucleotide variant.
Coding change: c.681G>A on transcript NM_002878.4 (MANE Select); coding-DNA position 681, G replaced by A.
Protein change: p.Met227Ile; replaces methionine 227 with isoleucine.
Molecular consequence: missense variant. On other transcripts: non-coding transcript variant (3).
Genome position (GRCh38, 1-based): chr17:35,103,311, C>T on the plus strand (G>A on the coding strand, the complement: RAD51D is on the minus strand). VCF-style: chr17-35103311-C-T. GRCh37 (hg19) VCF-style: chr17-33430330-C-T.
Other names: c.741G>A, p.Met247Ile (NM_001142571.2); c.345G>A, p.Met115Ile (NM_133629.3); short protein forms M115I, M227I, M247I.
Identifiers: ClinVar variation 826642 (VCV000826642.15), dbSNP rs1597858400, ClinGen allele CA399087757.